The following is an entry in ClinVar:

ClinVar aggregate classification (germline): Uncertain significance. Review status: criteria provided, multiple submitters, no conflicts (2 of 4 stars). 2 submissions from 2 submitters: Uncertain significance (2). Last evaluated 2025-04-12.

Conditions:
Charcot-Marie-Tooth disease dominant intermediate B (CMTDIB). Also called: CHARCOT-MARIE-TOOTH NEUROPATHY, DOMINANT INTERMEDIATE B; Charcot-Marie-Tooth disease dominant intermediate 1; CMT DI1; Charcot-Marie-Tooth disease dominant intermediate I. Identifiers: Orphanet 100044, Orphanet 228179, MedGen C1847902, MONDO:0011674, OMIM 606482.
Inborn genetic diseases. Identifiers: MedGen C0950123, MeSH D030342.

gnomAD v4.1: 1 of 1,612,124 alleles (0.000062%); highest among the groups gnomAD compares: Admixed American, 0.0017%; no homozygotes.

Submissions (2):

Labcorp Genetics (formerly Invitae), Labcorp
Classification: Uncertain significance for Charcot-Marie-Tooth disease dominant intermediate B. Last evaluated: 2025-04-12. Review status: criteria provided, single submitter. Criteria: Invitae Variant Classification Sherloc (09022015). Collection method: clinical testing. Allele origin: germline.
Comment: This sequence change replaces glutamine, which is neutral and polar, with histidine, which is basic and polar, at codon 278 of the DNM2 protein (p.Gln278His). This variant is not present in population databases (gnomAD no frequency). This variant has not been reported in the literature in individuals affected with DNM2-related conditions. Invitae Evidence Modeling of protein sequence and biophysical properties (such as structural, functional, and spatial information, amino acid conservation, physicochemical variation, residue mobility, and thermodynamic stability) indicates that this missense variant is expected to disrupt DNM2 protein function with a positive predictive value of 95%. In summary, the available evidence is currently insufficient to determine the role of this variant in disease. Therefore, it has been classified as a Variant of Uncertain Significance.

Ambry Genetics
Classification: Uncertain significance for Inborn genetic diseases. Last evaluated: 2024-12-25. Review status: criteria provided, single submitter. Criteria: Ambry Variant Classification Scheme 2023. Collection method: clinical testing. Allele origin: germline.

NM_001005361.3(DNM2):c.834G>T (p.Gln278His)

Gene: DNM2 (dynamin 2; plus strand). Cytogenetic location: 19p13.2.
Variant type: single nucleotide variant.
Coding change: c.834G>T on transcript NM_001005361.3 (MANE Select); coding-DNA position 834, G replaced by T.
Protein change: p.Gln278His; replaces glutamine 278 with histidine.
Molecular consequence: missense variant.
Genome position (GRCh38, 1-based): chr19:10,783,105, G>T. VCF-style: chr19-10783105-G-T. GRCh37 (hg19) VCF-style: chr19-10893781-G-T.
Other names: c.834G>T, p.Gln278His (NM_001005360.3, NM_001005362.3, NM_001190716.2 and 1 more transcripts); short protein forms Q278H.
Identifiers: ClinVar variation 3841695 (VCV003841695.2).